The following is an entry in ClinVar:

NC_000005.10:g.112707343G>C

Gene: APC (APC regulator of Wnt signaling pathway; plus strand). Cytogenetic location: 5q22.2.
Variant type: single nucleotide variant.
Genome position: GRCh38 VCF-style: chr5-112707343-G-C. GRCh37 (hg19) VCF-style: chr5-112043040-G-C.
Identifiers: ClinVar variation 664068 (VCV000664068.11), dbSNP rs1050218356, ClinGen allele CA124924535.

ClinVar aggregate classification (germline): Uncertain significance (1 of 4 stars; one submission).

Conditions:
Familial adenomatous polyposis 1 (FAP1). Also called: FAMILIAL ADENOMATOUS POLYPOSIS 1, ATTENUATED; POLYPOSIS, ADENOMATOUS INTESTINAL. Identifiers: MedGen C2713442, MONDO:0021056, OMIM 175100. Disease mechanism: loss of function.

Allele frequency attached by ClinVar (database versions not stated): gnomAD 0.00001.

Submission:

Labcorp Genetics (formerly Invitae), Labcorp
Classification: Uncertain significance for Familial adenomatous polyposis 1. Last evaluated: 2024-10-24. Review status: criteria provided, single submitter. Criteria: Invitae Variant Classification Sherloc (09022015). Collection method: clinical testing. Allele origin: germline.
Comment: This variant occurs in a non-coding region of the APC gene. It does not change the encoded amino acid sequence of the APC protein. This variant is not present in population databases (gnomAD no frequency). This variant has not been reported in the literature in individuals affected with APC-related conditions. ClinVar contains an entry for this variant (Variation ID: 664068). Experimental studies and prediction algorithms are not available or were not evaluated, and the functional significance of this variant is currently unknown. In summary, the available evidence is currently insufficient to determine the role of this variant in disease. Therefore, it has been classified as a Variant of Uncertain Significance.